The following is an entry in ClinVar:

ClinVar aggregate classification (germline): Benign. Review status: criteria provided, single submitter (1 of 4 stars). 2 submissions from 2 submitters: Benign (1). 1 of the submissions does not count toward it. Last evaluated 2026-01-19.

Conditions:
RIN2-related disorder. Also called: RIN2-related condition.

Allele frequency attached by ClinVar (database versions not stated): ExAC 0.00021; ESP Exome Variant Server 0.00048; gnomAD 0.00070 and 0.00076; 1000 Genomes Project 30x 0.00078; TOPMed 0.00079; 1000 Genomes Project 0.00080.
gnomAD v4.1: 201 of 1,613,990 alleles (0.012%); highest among the groups gnomAD compares: African/African-American, 0.24%; no homozygotes.

Submissions (2):

Labcorp Genetics (formerly Invitae), Labcorp
Classification: Benign. Last evaluated: 2026-01-19. Review status: criteria provided, single submitter. Criteria: Invitae Variant Classification Sherloc (09022015). Collection method: clinical testing. Allele origin: germline.

PreventionGenetics, part of Exact Sciences
Classification: Likely benign for RIN2-related condition. Last evaluated: 2021-06-18. Review status: no assertion criteria provided. Collection method: clinical testing. Allele origin: germline. Not counted in ClinVar's aggregate classification.
Comment: This variant is classified as likely benign based on ACMG/AMP sequence variant interpretation guidelines (Richards et al. 2015 PMID: 25741868, with internal and published modifications).

NM_018993.4(RIN2):c.1557C>T (p.Ala519=)

Gene: RIN2 (Ras and Rab interactor 2; plus strand). Cytogenetic location: 20p11.23.
Variant type: single nucleotide variant.
Coding change: c.1557C>T on transcript NM_018993.4 (MANE Select); coding-DNA position 1557, C replaced by T.
Protein change: p.Ala519=; no amino-acid change (alanine 519 retained).
Molecular consequence: synonymous variant.
Genome position (GRCh38, 1-based): chr20:19,975,582, C>T. VCF-style: chr20-19975582-C-T. GRCh37 (hg19) VCF-style: chr20-19956226-C-T.
Other names: c.1704C>T, p.Ala568= (NM_001242581.2); c.939C>T, p.Ala313= (NM_001378238.1).
Identifiers: ClinVar variation 695752 (VCV000695752.11), dbSNP rs372947881, ClinGen allele CA9780111.